The following is an entry in ClinVar:

NM_004415.4(DSP):c.7599T>C (p.Ala2533=)

Gene: DSP (desmoplakin; plus strand). Cytogenetic location: 6p24.3.
Variant type: single nucleotide variant.
Coding change: c.7599T>C on transcript NM_004415.4 (MANE Select); coding-DNA position 7599, T replaced by C.
Protein change: p.Ala2533=; no amino-acid change (alanine 2533 retained).
Molecular consequence: synonymous variant.
Genome position (GRCh38, 1-based): chr6:7,584,861, T>C. VCF-style: chr6-7584861-T-C. GRCh37 (hg19) VCF-style: chr6-7585094-T-C.
Other names: c.5802T>C, p.Ala1934= (NM_001008844.3); c.6270T>C, p.Ala2090= (NM_001319034.2); c.7599T>C (NM_004415.3).
Identifiers: ClinVar variation 920685 (VCV000920685.17), dbSNP rs374266378, ClinGen allele CA050247.
Genomic context (GRCh38, chr6:7,584,861, plus strand): 5'-CTCCACCAGGGTGGTCCTGGTAGATAGAAAGACAGGCAGTCAGTATGATATTCAAGATGC[T>C]ATTGACAAGGGCCTTGTTGACAGGAAGTTCTTTGATCAGTACCGATCCGGCAGCCTCAGC-3'
Protein context (NP_004406.2, residues 2523-2543): KTGSQYDIQD[Ala2533=]IDKGLVDRKF

ClinVar aggregate classification (germline): Likely benign. Review status: criteria provided, multiple submitters, no conflicts (2 of 4 stars). 7 submissions from 7 submitters: Likely benign (7). Last evaluated 2025-11-03.

Conditions:
Cardiovascular phenotype. Identifiers: MedGen CN230736.
Cardiomyopathy, dilated, with wooly hair, keratoderma, and tooth agenesis. Also called: Cardiomyopathy, dilated, with woolly hair, keratoderma, and tooth agenesis; Erythrokeratodermia-cardiomyopathy syndrome. Identifiers: Orphanet 476096, Orphanet 65282, MedGen C4014393, MONDO:0014355, OMIM 615821.
Arrhythmogenic cardiomyopathy with wooly hair and keratoderma. Also called: PALMOPLANTAR KERATODERMA WITH LEFT VENTRICULAR CARDIOMYOPATHY AND WOOLLY HAIR; Carvajal syndrome; Dilated cardiomyopathy with woolly hair and keratoderma; Arrhythmogenic cardiomyopathy with woolly hair and keratoderma. Identifiers: Orphanet 65282, MedGen C1854063, MONDO:0011581, OMIM 605676.
Keratosis palmoplantaris striata 2. Also called: KERATODERMA, PALMOPLANTAR, STRIATE FORM II; STRIATE PALMOPLANTAR KERATODERMA II; Keratosis palmoplantaris striata II. Identifiers: MedGen C1852127, MONDO:0013034, OMIM 612908.
Arrhythmogenic right ventricular dysplasia 8 (ARVD8). Also called: Arrhythmogenic Right Ventricular Dysplasia/Cardiomyopathy 8; ARRHYTHMOGENIC RIGHT VENTRICULAR CARDIOMYOPATHY 8; ARRHYTHMOGENIC RIGHT VENTRICULAR DYSPLASIA, FAMILIAL, 8. Identifiers: MedGen C1843896, MONDO:0011831, OMIM 607450.
Woolly hair-skin fragility syndrome (WHSF). Identifiers: Orphanet 293165, MedGen C1843292, MONDO:0957307, OMIM 620415.
Lethal acantholytic epidermolysis bullosa (EBLA). Identifiers: Orphanet 158687, MedGen C1864826, MONDO:0012323, OMIM 609638.
DSP-related disorder. Also called: DSP-related condition; DSP-related disorders.
Cardiomyopathy (CMYO). Also called: Cardiomyopathies. Identifiers: Orphanet 167848, MedGen C0878544, MONDO:0004994, HP:0001638. Inheritance: Various modes of inheritance.

Allele frequency attached by ClinVar (database versions not stated): gnomAD exomes 0.00001 and 0.00002; ExAC 0.00002; gnomAD 0.00013 and 0.00016; TOPMed 0.00013; ESP Exome Variant Server 0.00015; 1000 Genomes Project 30x 0.00031; 1000 Genomes Project 0.00040.
gnomAD v4.1: 30 of 1,614,182 alleles (0.0019%); highest among the groups gnomAD compares: African/African-American, 0.037%; no homozygotes.

Submissions (7):

Labcorp Genetics (formerly Invitae), Labcorp
Classification: Likely benign for Arrhythmogenic cardiomyopathy with wooly hair and keratoderma; Arrhythmogenic right ventricular dysplasia 8. Last evaluated: 2025-11-03. Review status: criteria provided, single submitter. Criteria: Invitae Variant Classification Sherloc (09022015). Collection method: clinical testing. Allele origin: germline.

PreventionGenetics, part of Exact Sciences
Classification: Likely benign for DSP-related condition. Last evaluated: 2025-09-29. Review status: criteria provided, single submitter. Criteria: ACMG Guidelines, 2015. Collection method: clinical testing. Allele origin: germline.
Comment: This variant is classified as likely benign based on ACMG/AMP sequence variant interpretation guidelines (Richards et al. 2015 PMID: 25741868, with internal and published modifications).

Women's Health and Genetics/Laboratory Corporation of America, LabCorp
Classification: Likely benign. Last evaluated: 2025-03-07. Review status: criteria provided, single submitter. Criteria: LabCorp Variant Classification Summary - May 2015. Collection method: clinical testing. Allele origin: germline.

All of Us Research Program, National Institutes of Health
Classification: Likely benign for Arrhythmogenic cardiomyopathy with wooly hair and keratoderma. Last evaluated: 2024-01-11. Review status: criteria provided, single submitter. Criteria: ACMG Guidelines, 2015. Collection method: clinical testing. Allele origin: germline. Inheritance: Autosomal dominant inheritance. Observed: 9 variant alleles, 9 heterozygotes.
Comment: This study involves interpretation of variants in research participants for the purpose of population health screening. Participant phenotype was not available at the time of variant classification. Additional details can be found in publication PMID: 35346344, PMCID: PMC8962531

Fulgent Genetics
Classification: Likely benign for Arrhythmogenic cardiomyopathy with wooly hair and keratoderma; Arrhythmogenic right ventricular dysplasia 8; Lethal acantholytic epidermolysis bullosa; Keratosis palmoplantaris striata 2; Cardiomyopathy, dilated, with wooly hair, keratoderma, and tooth agenesis. Last evaluated: 2021-09-23. Review status: criteria provided, single submitter. Criteria: ACMG Guidelines, 2015. Collection method: clinical testing. Allele origin: unknown.

Ambry Genetics
Classification: Likely benign for Cardiovascular phenotype. Last evaluated: 2021-03-01. Review status: criteria provided, single submitter. Criteria: Ambry Variant Classification Scheme 2023. Collection method: clinical testing. Allele origin: germline.

Color Diagnostics, LLC DBA Color Health
Classification: Likely benign for Cardiomyopathy. Last evaluated: 2018-11-08. Review status: criteria provided, single submitter. Criteria: ACMG Guidelines, 2015. Collection method: clinical testing. Allele origin: germline.